The following is an entry in ClinVar:

ClinVar aggregate classification (germline): Uncertain significance (1 of 4 stars; one submission).

Submission:

CeGaT Center for Human Genetics Tuebingen
Classification: Uncertain significance. Last evaluated: 2025-12-01. Review status: criteria provided, single submitter. Criteria: CeGaT Center For Human Genetics Tuebingen Variant Classification Criteria Version 2. Collection method: clinical testing. Allele origin: germline. Affected: yes. Observed: 1 variant allele.
Comment: GLS: PM2, PP3

NM_014905.5(GLS):c.386+4_386+7del

Gene: GLS (glutaminase; plus strand). Cytogenetic location: 2q32.2.
Variant type: Microsatellite.
Coding change: c.386+4_386+7del on transcript NM_014905.5 (MANE Select); bases 4 to 7 of the intron after coding-DNA position 386, 4 bases deleted (AGTG; older notation c.386+4_386+7delAGTG).
Molecular consequence: splice donor variant.
Genome position (GRCh38, 1-based): chr2:190,881,474-190,881,477, AGTG deleted; deleting any 4 consecutive bases within chr2:190,881,470-190,881,477 gives the same sequence; the c. name uses the placement nearest the transcript's 3' end. VCF-style (leftmost placement, unchanged base first): chr2-190881469-AAGTG-A. GRCh37 (hg19) VCF-style: chr2-191746195-AAGTG-A.
Other names: c.386+4_386+7del (NM_001437282.1, NM_001437283.1, NM_001256310.2).
Identifiers: ClinVar variation 4681862 (VCV004681862.5).